The following is an entry in ClinVar:

ClinVar aggregate classification (germline): Uncertain significance. Review status: criteria provided, multiple submitters, no conflicts (2 of 4 stars). 4 submissions from 4 submitters: Uncertain significance (4). Last evaluated 2025-11-27.

Conditions:
Primary dilated cardiomyopathy (DCM). Also called: Dilated Cardiomyopathy. Identifiers: Orphanet 217604, MedGen C0007193, MeSH D002311, MONDO:0005021, HP:0001644. Inheritance: Various modes of inheritance.
TTN-related myopathy. Identifiers: MedGen CN294812, MONDO:0100175.
Autosomal recessive limb-girdle muscular dystrophy type 2J (LGMDR10). Also called: Limb-girdle muscular dystrophy, type 2J; MUSCULAR DYSTROPHY, LIMB-GIRDLE, AUTOSOMAL RECESSIVE 10. Identifiers: Orphanet 140922, MedGen C1837342, MONDO:0012127, OMIM 608807.
Myopathy, myofibrillar, 9, with early respiratory failure (MFM9). Also called: EDSTROM MYOPATHY; MYOPATHY, PROXIMAL, WITH EARLY RESPIRATORY MUSCLE INVOLVEMENT; Myopathy, distal, with early respiratory failure, autosomal dominant; Hereditary myopathy with early respiratory failure. Identifiers: Orphanet 178464, Orphanet 34521, MedGen C1863599, MONDO:0011362, OMIM 603689.
Tibial muscular dystrophy (TMD). Also called: UDD MYOPATHY; Tibial muscular dystrophy, tardive; Udd Distal Myopathy – Tibial Muscular Dystrophy. Identifiers: Orphanet 609, MedGen C1838244, MONDO:0010870, OMIM 600334.
Dilated cardiomyopathy 1G (CMD1G). Identifiers: Orphanet 154, MedGen C1858763, MONDO:0011400, OMIM 604145.

Allele frequency attached by ClinVar (database versions not stated): gnomAD exomes below 0.00001 and 0.00001; gnomAD 0.00001; TOPMed 0.00001.
gnomAD v4.1: 11 of 1,613,820 alleles (0.00068%); highest among the groups gnomAD compares: African/African-American, 0.0013%; no homozygotes.

Submissions (4):

Labcorp Genetics (formerly Invitae), Labcorp
Classification: Uncertain significance for Dilated cardiomyopathy 1G; Autosomal recessive limb-girdle muscular dystrophy type 2J. Last evaluated: 2025-11-27. Review status: criteria provided, single submitter. Criteria: Invitae Variant Classification Sherloc (09022015). Collection method: clinical testing. Allele origin: germline.
Comment: This sequence change replaces aspartic acid, which is acidic and polar, with valine, which is neutral and non-polar, at codon 35045 of the TTN protein (p.Asp35045Val). This variant is present in population databases (no rsID available, gnomAD 0.0009%). This variant has not been reported in the literature in individuals affected with TTN-related conditions. ClinVar contains an entry for this variant (Variation ID: 535059). Experimental studies and prediction algorithms are not available or were not evaluated, and the functional significance of this variant is currently unknown. This variant is located in the M band of TTN (PMID: 25589632). Non-truncating variants in this region may be relevant for neuromuscular disorders, but have not been definitively shown to cause cardiomyopathy (PMID: 23975875). In summary, the available evidence is currently insufficient to determine the role of this variant in disease. Therefore, it has been classified as a Variant of Uncertain Significance.

Women's Health and Genetics/Laboratory Corporation of America, LabCorp
Classification: Uncertain significance. Last evaluated: 2023-06-23. Review status: criteria provided, single submitter. Criteria: LabCorp Variant Classification Summary - May 2015. Collection method: clinical testing. Allele origin: germline.
Comment: Variant summary: TTN c.97430A>T (p.Asp32477Val) results in a non-conservative amino acid change located in the M-band of the encoded protein sequence. Three of four in-silico tools predict a damaging effect of the variant on protein function. The variant allele was found at a frequency of 4e-06 in 249032 control chromosomes. The available data on variant occurrences in the general population are insufficient to allow any conclusion about variant significance. To our knowledge, no occurrence of c.97430A>T in individuals affected with TTN-Related Disorders and no experimental evidence demonstrating its impact on protein function have been reported. Three submitters have cited clinical-significance assessments for this variant to ClinVar after 2014. All submitters classified the variant as uncertain significance. Based on the evidence outlined above, the variant was classified as uncertain significance.

Mayo Clinic Laboratories, Mayo Clinic
Classification: Uncertain significance. Last evaluated: 2019-06-23. Review status: criteria provided, single submitter. Criteria: ACMG Guidelines, 2015. Collection method: clinical testing. Allele origin: germline. Observed: 1 variant allele.

CeGaT Center for Human Genetics Tuebingen
Classification: Uncertain significance. Last evaluated: 2019-05-01. Review status: criteria provided, single submitter. Criteria: CeGaT Center For Human Genetics Tuebingen Variant Classification Criteria Version 2. Collection method: clinical testing. Allele origin: germline. Affected: yes. Observed: 1 variant allele.

Literature cited by the submitters: PubMed 25589632 (cited by Labcorp Genetics (formerly Invitae), Labcorp); PubMed 23975875 (cited by Labcorp Genetics (formerly Invitae), Labcorp).

NM_001267550.2(TTN):c.105134A>T (p.Asp35045Val)

Genes: TTN (titin; minus strand), TTN-AS1 (TTN antisense RNA 1; plus strand), LOC129935185 (ATAC-STARR-seq lymphoblastoid active region 16810; plus strand). Cytogenetic location: 2q31.2.
Variant type: single nucleotide variant.
Coding change: c.105134A>T on transcript NM_001267550.2 (MANE Select); coding-DNA position 105134, A replaced by T.
Protein change: p.Asp35045Val; replaces aspartic acid 35045 with valine.
Molecular consequence: missense variant.
Genome position (GRCh38, 1-based): chr2:178,531,481, T>A on the plus strand (A>T on the coding strand, the complement: TTN is on the minus strand). VCF-style: chr2-178531481-T-A. GRCh37 (hg19) VCF-style: chr2-179396208-T-A.
Other names: c.100211A>T, p.Asp33404Val (NM_001256850.1); c.77939A>T, p.Asp25980Val (NM_003319.4); c.97430A>T, p.Asp32477Val (NM_133378.4); c.78314A>T, p.Asp26105Val (NM_133432.3); c.78515A>T, p.Asp26172Val (NM_133437.4); short protein forms D35045V, D32477V, D26172V, D33404V, D25980V, D26105V.
Identifiers: ClinVar variation 535059 (VCV000535059.55), dbSNP rs1001393566, ClinGen allele CA60954125.